The following is an entry in ClinVar:

NM_006361.6(HOXB13):c.579C>G (p.Pro193=)

Gene: HOXB13 (homeobox B13; minus strand). Cytogenetic location: 17q21.32.
Variant type: single nucleotide variant.
Coding change: c.579C>G on transcript NM_006361.6 (MANE Select); coding-DNA position 579, C replaced by G.
Protein change: p.Pro193=; no amino-acid change (proline 193 retained).
Molecular consequence: synonymous variant.
Genome position (GRCh38, 1-based): chr17:48,728,015, G>C on the plus strand (C>G on the coding strand, the complement: HOXB13 is on the minus strand). VCF-style: chr17-48728015-G-C. GRCh37 (hg19) VCF-style: chr17-46805377-G-C.
Identifiers: ClinVar variation 2823746 (VCV002823746.3), dbSNP rs2143070814, ClinGen allele CA500660800.

ClinVar aggregate classification (germline): Uncertain significance (1 of 4 stars; one submission).

Submission:

Labcorp Genetics (formerly Invitae), Labcorp
Classification: Uncertain significance. Last evaluated: 2022-12-24. Review status: criteria provided, single submitter. Criteria: Invitae Variant Classification Sherloc (09022015). Collection method: clinical testing. Allele origin: germline.
Comment: In summary, the available evidence is currently insufficient to determine the role of this variant in disease. Therefore, it has been classified as a Variant of Uncertain Significance. Algorithms developed to predict the effect of sequence changes on RNA splicing suggest that this variant may create or strengthen a splice site. This variant has not been reported in the literature in individuals affected with HOXB13-related conditions. This variant is not present in population databases (gnomAD no frequency). This sequence change affects codon 193 of the HOXB13 mRNA. It is a 'silent' change, meaning that it does not change the encoded amino acid sequence of the HOXB13 protein.